The following is an entry in ClinVar:

ClinVar aggregate classification (germline): Uncertain significance (1 of 4 stars; one submission).

Allele frequency attached by ClinVar (database versions not stated): TOPMed below 0.00001.

Submission:

Labcorp Genetics (formerly Invitae), Labcorp
Classification: Uncertain significance. Last evaluated: 2024-01-04. Review status: criteria provided, single submitter. Criteria: Invitae Variant Classification Sherloc (09022015). Collection method: clinical testing. Allele origin: germline.
Comment: This sequence change replaces glycine, which is neutral and non-polar, with glutamic acid, which is acidic and polar, at codon 93 of the SIAE protein (p.Gly93Glu). This variant is not present in population databases (gnomAD no frequency). This variant has not been reported in the literature in individuals affected with SIAE-related conditions. An algorithm developed to predict the effect of missense changes on protein structure and function (PolyPhen-2) suggests that this variant is likely to be disruptive. In summary, the available evidence is currently insufficient to determine the role of this variant in disease. Therefore, it has been classified as a Variant of Uncertain Significance.

NM_170601.5(SIAE):c.278G>A (p.Gly93Glu)

Gene: SIAE (sialic acid acetylesterase; minus strand). Cytogenetic location: 11q24.2.
Variant type: single nucleotide variant.
Coding change: c.278G>A on transcript NM_170601.5 (MANE Select); coding-DNA position 278, G replaced by A.
Protein change: p.Gly93Glu; replaces glycine 93 with glutamic acid.
Molecular consequence: missense variant.
Genome position (GRCh38, 1-based): chr11:124,660,755, C>T on the plus strand (G>A on the coding strand, the complement: SIAE is on the minus strand). VCF-style: chr11-124660755-C-T. GRCh37 (hg19) VCF-style: chr11-124530651-C-T.
Other names: c.173G>A, p.Gly58Glu (NM_001199922.2); short protein forms G58E, G93E.
Identifiers: ClinVar variation 2705336 (VCV002705336.3), dbSNP rs1943175232, ClinGen allele CA383121064.